The following is an entry in ClinVar:

ClinVar aggregate classification (germline): Benign. Review status: criteria provided, multiple submitters, no conflicts (2 of 4 stars). 2 submissions from 2 submitters: Benign (2). Last evaluated 2019-12-31.

Allele frequency attached by ClinVar (database versions not stated): gnomAD exomes 0.00202 and 0.00458; ExAC 0.00796; gnomAD 0.01965 and 0.02097; ESP Exome Variant Server 0.01999; 1000 Genomes Project 0.02077; TOPMed 0.02150; 1000 Genomes Project 30x 0.02202.
gnomAD v4.1: 6,031 of 1,608,134 alleles (0.38%); highest among the groups gnomAD compares: African/African-American, 7.2%; 215 homozygotes.

Submissions (5):

Labcorp Genetics (formerly Invitae), Labcorp
Classification: Benign. Last evaluated: 2019-12-31. Review status: criteria provided, single submitter. Criteria: Invitae Variant Classification Sherloc (09022015). Collection method: clinical testing. Allele origin: germline.

GeneDx
Classification: Benign. Last evaluated: 2018-03-01. Review status: criteria provided, single submitter. Criteria: GeneDx Variant Classification (06012015). Collection method: clinical testing. Allele origin: germline. Affected: yes.
Comment: This variant is considered likely benign or benign based on one or more of the following criteria: it is a conservative change, it occurs at a poorly conserved position in the protein, it is predicted to be benign by multiple in silico algorithms, and/or has population frequency not consistent with disease.

Dr. Peter K. Rogan Lab, Western University
No classification provided (evidence only). Condition: Lung cancer. Review status: no classification provided. Collection method: in vitro. Allele origin: not applicable. Functional consequence: retained intron. Not counted in ClinVar's aggregate classification.

Dr. Peter K. Rogan Lab, Western University
No classification provided (evidence only). Condition: Acute myeloid leukemia. Review status: no classification provided. Collection method: in vitro. Allele origin: not applicable. Functional consequence: retained intron. Not counted in ClinVar's aggregate classification.

Dr. Peter K. Rogan Lab, Western University
No classification provided (evidence only). Condition: Ovarian serous cystadenocarcinoma. Review status: no classification provided. Collection method: in vitro. Allele origin: not applicable. Functional consequence: skipped exon. Not counted in ClinVar's aggregate classification.

NM_030770.4(TMPRSS5):c.1359+10G>A

Gene: TMPRSS5 (transmembrane serine protease 5; minus strand). Cytogenetic location: 11q23.2.
Variant type: single nucleotide variant.
Coding change: c.1359+10G>A on transcript NM_030770.4 (MANE Select); 10 bases into the intron after coding-DNA position 1359, G replaced by A.
Molecular consequence: intron variant.
Genome position (GRCh38, 1-based): chr11:113,689,755, C>T on the plus strand (G>A on the coding strand, the complement: TMPRSS5 is on the minus strand). VCF-style: chr11-113689755-C-T. GRCh37 (hg19) VCF-style: chr11-113560477-C-T.
Other names: NC_000011.9:g.113560477C>T; c.1020+10G>A (NM_001288749.2); c.1227+10G>A (NM_001288750.2); c.1152+10G>A (NM_001288752.2); c.1332+10G>A (NM_001288751.2).
Identifiers: ClinVar variation 508619 (VCV000508619.6), dbSNP rs115825770, ClinGen allele CA6281542.